The following is an entry in ClinVar:

NM_002474.3(MYH11):c.4585_4586insGACTTCTCC (p.Glu1529delinsGlyLeuLeuGln)

Genes: NDE1 (nudE neurodevelopment protein 1; plus strand), MYH11 (myosin heavy chain 11; minus strand). Cytogenetic location: 16p13.11.
Variant type: Insertion.
Coding change: c.4585_4586insGACTTCTCC on transcript NM_002474.3 (MANE Select); coding-DNA positions 4585 to 4586, GACTTCTCC inserted.
Protein change: p.Glu1529delinsGlyLeuLeuGln.
Molecular consequence: inframe indel. On other transcripts: intron variant (2).
Genome position: GRCh38 VCF-style: chr16-15721044-T-TGGAGAAGTC. GRCh37 (hg19) VCF-style: chr16-15814901-T-TGGAGAAGTC.
Other names: c.4606_4607insGACTTCTCC, p.Glu1536delinsGlyLeuLeuGln (NM_001040113.2, NM_001040114.2); c.4585_4586insGACTTCTCC, p.Glu1529delinsGlyLeuLeuGln (NM_022844.3); c.948-3147_948-3146insGGAGAAGTC (NM_001143979.2, NM_017668.3).
Identifiers: ClinVar variation 3069218 (VCV003069218.1), dbSNP rs2506121658, ClinGen allele CA2575922767.

ClinVar aggregate classification (germline): Uncertain significance (1 of 4 stars; one submission).

Conditions:
Familial thoracic aortic aneurysm and aortic dissection (TAAD). Also called: Thoracic aortic aneurysms and dissections. Identifiers: Orphanet 91387, MedGen C4707243, MONDO:0019625.

Submission:

All of Us Research Program, National Institutes of Health
Classification: Uncertain significance for Familial thoracic aortic aneurysm and aortic dissection. Last evaluated: 2023-10-02. Review status: criteria provided, single submitter. Criteria: ACMG Guidelines, 2015. Collection method: clinical testing. Allele origin: germline. Inheritance: Autosomal dominant inheritance. Observed: 1 variant allele, 1 heterozygote.
Comment: This variant causes a deletion of glutamic acid and insertion of 4 novel amino acids at exon 34 of the MYH11 protein. To our knowledge, functional studies have not been reported for this variant. This variant has not been reported in individuals affected with MYH11-related disorders in the literature. This variant has not been identified in the general population by the Genome Aggregation Database (gnomAD). The available evidence is insufficient to determine the role of this variant in disease conclusively. Therefore, this variant is classified as a Variant of Uncertain Significance.

This study involves interpretation of variants in research participants for the purpose of population health screening. Participant phenotype was not available at the time of variant classification. Additional details can be found in publication PMID: 35346344, PMCID: PMC8962531